The following is an entry in ClinVar:

NM_005733.3(KIF20A):c.1316G>A (p.Arg439His)

Gene: KIF20A (kinesin family member 20A; plus strand). Cytogenetic location: 5q31.2.
Variant type: single nucleotide variant.
Coding change: c.1316G>A on transcript NM_005733.3 (MANE Select); coding-DNA position 1316, G replaced by A.
Protein change: p.Arg439His; replaces arginine 439 with histidine.
Molecular consequence: missense variant.
Genome position (GRCh38, 1-based): chr5:138,184,069, G>A. VCF-style: chr5-138184069-G-A. GRCh37 (hg19) VCF-style: chr5-137519758-G-A.
Other names: short protein forms R439H.
Identifiers: ClinVar variation 4778749 (VCV004778749.1).

ClinVar aggregate classification (germline): Uncertain significance (1 of 4 stars; one submission).

gnomAD v4.1: 4 of 1,614,132 alleles (0.00025%); highest among the groups gnomAD compares: Non-Finnish European, 0.00034%; no homozygotes.

Submission:

Labcorp Genetics (formerly Invitae), Labcorp
Classification: Uncertain significance. Last evaluated: 2025-08-16. Review status: criteria provided, single submitter. Criteria: Invitae Variant Classification Sherloc (09022015). Collection method: clinical testing. Allele origin: germline.
Comment: This sequence change replaces arginine, which is basic and polar, with histidine, which is basic and polar, at codon 439 of the KIF20A protein (p.Arg439His). This variant is present in population databases (no rsID available, gnomAD 0.0009%). This variant has not been reported in the literature in individuals affected with KIF20A-related conditions. An algorithm developed to predict the effect of missense changes on protein structure and function (PolyPhen-2) suggests that this variant is likely to be disruptive. In summary, the available evidence is currently insufficient to determine the role of this variant in disease. Therefore, it has been classified as a Variant of Uncertain Significance.